The following is an entry in ClinVar:

ClinVar aggregate classification (germline): Uncertain significance (1 of 4 stars; one submission).

Conditions:
Hereditary cancer-predisposing syndrome. Also called: Neoplastic Syndromes, Hereditary; Tumor predisposition; Hereditary neoplastic syndrome; Hereditary Cancer Syndrome. Identifiers: Orphanet 140162, MedGen C0027672, MeSH D009386, MONDO:0015356.

Submission:

Ambry Genetics
Classification: Uncertain significance for Hereditary cancer-predisposing syndrome. Last evaluated: 2025-07-23. Review status: criteria provided, single submitter. Criteria: Ambry Variant Classification Scheme 2023. Collection method: clinical testing. Allele origin: germline.
Comment: The p.Q580R variant (also known as c.1739A>G), located in coding exon 14 of the POT1 gene, results from an A to G substitution at nucleotide position 1739. The glutamine at codon 580 is replaced by arginine, an amino acid with highly similar properties. This amino acid position is highly conserved in available vertebrate species. In addition, the in silico prediction for this alteration is inconclusive. Based on the available evidence, the clinical significance of this variant remains unclear.

NM_015450.3(POT1):c.1739A>G (p.Gln580Arg)

Gene: POT1 (protection of telomeres 1; minus strand). Cytogenetic location: 7q31.33.
Variant type: single nucleotide variant.
Coding change: c.1739A>G on transcript NM_015450.3 (MANE Select); coding-DNA position 1739, A replaced by G.
Protein change: p.Gln580Arg; replaces glutamine 580 with arginine.
Molecular consequence: missense variant. On other transcripts: non-coding transcript variant (3).
Genome position (GRCh38, 1-based): chr7:124,825,305, T>C on the plus strand (A>G on the coding strand, the complement: POT1 is on the minus strand). VCF-style: chr7-124825305-T-C. GRCh37 (hg19) VCF-style: chr7-124465359-T-C.
Other names: c.1346A>G, p.Gln449Arg (NM_001042594.2); short protein forms Q580R, Q449R.
Identifiers: ClinVar variation 2450539 (VCV002450539.3), dbSNP rs2485338177, ClinGen allele CA369062340.